The following is an entry in ClinVar:

NM_000535.7(PMS2):c.272A>G (p.Lys91Arg)

Gene: PMS2 (PMS1 homolog 2, mismatch repair system component; minus strand). Cytogenetic location: 7p22.1.
Variant type: single nucleotide variant.
Coding change: c.272A>G on transcript NM_000535.7 (MANE Select); coding-DNA position 272, A replaced by G.
Protein change: p.Lys91Arg; replaces lysine 91 with arginine.
Molecular consequence: missense variant. On other transcripts: 5 prime UTR variant (9), non-coding transcript variant (1), intron variant (2).
Genome position (GRCh38, 1-based): chr7:6,003,771, T>C on the plus strand (A>G on the coding strand, the complement: PMS2 is on the minus strand). VCF-style: chr7-6003771-T-C. GRCh37 (hg19) VCF-style: chr7-6043402-T-C.
Other names: c.-134A>G (NM_001322003.2, NM_001322004.2, NM_001322005.2 and 3 more transcripts); c.272A>G, p.Lys91Arg (NM_001322006.2, NM_001322014.2); c.-613A>G (NM_001322011.2, NM_001322012.2); c.-213A>G (NM_001322015.2); c.35+201A>G (NM_001322008.2, NM_001322007.2); short protein forms K91R.
Identifiers: ClinVar variation 821722 (VCV000821722.12), dbSNP rs1583408934, ClinGen allele CA366744689.
Genomic context (GRCh38, chr7:6,003,771, plus strand): 5'-AGAGCTTCCCCCCGAAAGCCAAAAGTTTCAACCTGAGTTAGGTCGGCAAACTCTTGAATC[T>C]TAGATGTGTGATGTTTCAGAGCTGAAAGAGAGTGTAAAGTAAGGACTAAGATATCTCAAG-3'
Protein context (NP_000526.2, residues 81-101): EGLTLKHHTS[Lys91Arg]IQEFADLTQV

ClinVar aggregate classification (germline): Uncertain significance. Review status: criteria provided, multiple submitters, no conflicts (2 of 4 stars). 3 submissions from 3 submitters: Uncertain significance (3). Last evaluated 2024-03-06.

Conditions:
Hereditary nonpolyposis colorectal neoplasms. Identifiers: MedGen C0009405, MeSH D003123.
Hereditary cancer-predisposing syndrome. Also called: Tumor predisposition; Hereditary Cancer Syndrome; Neoplastic Syndromes, Hereditary; Hereditary neoplastic syndrome. Identifiers: Orphanet 140162, MedGen C0027672, MeSH D009386, MONDO:0015356.

Submissions (3):

Color Diagnostics, LLC DBA Color Health
Classification: Uncertain significance for Hereditary cancer-predisposing syndrome. Last evaluated: 2024-03-06. Review status: criteria provided, single submitter. Criteria: ACMG Guidelines, 2015. Collection method: clinical testing. Allele origin: germline.
Comment: This missense variant replaces lysine with arginine at codon 91 of the PMS2 protein. Computational prediction suggests that this variant may have deleterious impact on protein structure and function (internally defined REVEL score threshold >= 0.7, PMID: 27666373). To our knowledge, functional studies have not been reported for this variant. This variant has not been reported in individuals affected with hereditary cancer in the literature. This variant has not been identified in the general population by the Genome Aggregation Database (gnomAD). The available evidence is insufficient to determine the role of this variant in disease conclusively. Therefore, this variant is classified as a Variant of Uncertain Significance.

Labcorp Genetics (formerly Invitae), Labcorp
Classification: Uncertain significance for Hereditary nonpolyposis colorectal neoplasms. Last evaluated: 2021-12-02. Review status: criteria provided, single submitter. Criteria: Invitae Variant Classification Sherloc (09022015). Collection method: clinical testing. Allele origin: germline.
Comment: In summary, the available evidence is currently insufficient to determine the role of this variant in disease. Therefore, it has been classified as a Variant of Uncertain Significance. Algorithms developed to predict the effect of sequence changes on RNA splicing suggest that this variant may create or strengthen a splice site. ClinVar contains an entry for this variant (Variation ID: 821722). Algorithms developed to predict the effect of missense changes on protein structure and function (SIFT, PolyPhen-2, Align-GVGD) all suggest that this variant is likely to be disruptive. This variant has not been reported in the literature in individuals affected with PMS2-related conditions. This variant is not present in population databases (gnomAD no frequency). This sequence change replaces lysine, which is basic and polar, with arginine, which is basic and polar, at codon 91 of the PMS2 protein (p.Lys91Arg).

Ambry Genetics
Classification: Uncertain significance for Hereditary cancer-predisposing syndrome. Last evaluated: 2019-08-12. Review status: criteria provided, single submitter. Criteria: Ambry Variant Classification Scheme 2023. Collection method: clinical testing. Allele origin: germline.
Comment: The p.K91R variant (also known as c.272A>G), located in coding exon 4 of the PMS2 gene, results from an A to G substitution at nucleotide position 272. The lysine at codon 91 is replaced by arginine, an amino acid with highly similar properties. This amino acid position is highly conserved in available vertebrate species. In addition, this alteration is predicted to be deleterious by in silico analysis.Since supporting evidence is limited at this time, the clinical significance of this alteration remains unclear.